The following is an entry in ClinVar:

ClinVar aggregate classification (germline): Pathogenic. Review status: criteria provided, multiple submitters, no conflicts (2 of 4 stars). 2 submissions from 2 submitters: Pathogenic (2). Last evaluated 2024-09-23.

Conditions:
ERCC5-related disorder. Also called: ERCC5-related condition.
ERCC5-related disorders.

Submissions (2):

Blueprint Genetics
Classification: Pathogenic for ERCC5-related disorders. Last evaluated: 2024-09-23. Review status: criteria provided, single submitter. Criteria: ACMG Guidelines, 2015. Collection method: clinical testing. Allele origin: germline. Affected: yes. Observed: 5 variant alleles.

PreventionGenetics, part of Exact Sciences
Classification: Pathogenic for ERCC5-related condition. Last evaluated: 2022-09-06. Review status: criteria provided, single submitter. Criteria: ACMG Guidelines, 2015. Collection method: clinical testing. Allele origin: germline.
Comment: The ERCC5 c.264+1delG variant is predicted to result in a deletion affecting a canonical splice site. This variant has been previously reported in the homozygous state in two siblings with Xeroderma pigmentosum, group G (XP55BR and XP56BR in Table 2, Fassihi et al. 2016. PubMed ID: 26884178). Sequencing of the cDNA revealed that this change results in an in-frame deletion of 216 nucleotides, removing amino acid residues 16 to 88, which represents most of the N-terminal domain (Figure 5, Fassihi et al. 2016. PubMed ID: 26884178). This variant has not been reported in a large population database, indicating this variant is rare. This variant is interpreted as pathogenic.

NM_000123.4(ERCC5):c.264+1del

Genes: BIVM-ERCC5 (BIVM-ERCC5 readthrough; plus strand), ERCC5 (ERCC excision repair 5, endonuclease; plus strand). Cytogenetic location: 13q33.1.
Variant type: Deletion.
Coding change: c.264+1del on transcript NM_000123.4 (MANE Select); the canonical splice donor site of the intron after coding-DNA position 264, one base deleted (G; older notation c.264+1delG).
Molecular consequence: splice donor variant.
Genome position (GRCh38, 1-based): chr13:102,852,294, G deleted; the last of 2 consecutive G bases (chr13:102,852,293-102,852,294); deleting either gives the same sequence. VCF-style (leftmost placement, unchanged base first): chr13-102852292-TG-T. GRCh37 (hg19) VCF-style: chr13-103504642-TG-T.
Other names: c.1626+1del (NM_001204425.2).
Identifiers: ClinVar variation 2636488 (VCV002636488.2), dbSNP rs2501529754, ClinGen allele CA2695199777.
Genomic context (GRCh38, chr13:102,852,292, plus strand): 5'-TTCGAATTCGTCCTATTTTTGTGTTTGATGGGGATGCTCCACTATTGAAGAAACAGACTT[TG>T]GTAAGTGTCGTATAGTTTTTAGTAAGTGTCAAATAATTTTTTTCTTTCTGCATTCTTAGA-3'